The following is an entry in ClinVar:

NM_001572.5(IRF7):c.949C>T (p.Pro317Ser)

Gene: IRF7 (interferon regulatory factor 7; minus strand). Cytogenetic location: 11p15.5.
Variant type: single nucleotide variant.
Coding change: c.949C>T on transcript NM_001572.5 (MANE Select); coding-DNA position 949, C replaced by T.
Protein change: p.Pro317Ser; replaces proline 317 with serine.
Molecular consequence: missense variant.
Genome position (GRCh38, 1-based): chr11:613,494, G>A on the plus strand (C>T on the coding strand, the complement: IRF7 is on the minus strand). VCF-style: chr11-613494-G-A. GRCh37 (hg19) VCF-style: chr11-613494-G-A.
Other names: c.862C>T, p.Pro288Ser (NM_004029.4); c.988C>T, p.Pro330Ser (NM_004031.4); short protein forms P330S, P317S, P288S.
Identifiers: ClinVar variation 2997394 (VCV002997394.3), dbSNP rs759611361, ClinGen allele CA5783629.

ClinVar aggregate classification (germline): Uncertain significance (1 of 4 stars; one submission).

Conditions:
Immunodeficiency 39 (IMD39). Identifiers: Orphanet 574918, MedGen C4225358, MONDO:0014597, OMIM 616345.

gnomAD v4.1: 2 of 1,543,762 alleles (0.00013%); highest among the groups gnomAD compares: Admixed American, 0.002%; no homozygotes.

Submission:

Labcorp Genetics (formerly Invitae), Labcorp
Classification: Uncertain significance for Immunodeficiency 39. Last evaluated: 2025-03-31. Review status: criteria provided, single submitter. Criteria: Invitae Variant Classification Sherloc (09022015). Collection method: clinical testing. Allele origin: germline.
Comment: This sequence change replaces proline, which is neutral and non-polar, with serine, which is neutral and polar, at codon 330 of the IRF7 protein (p.Pro330Ser). This variant is not present in population databases (gnomAD no frequency). This variant has not been reported in the literature in individuals affected with IRF7-related conditions. ClinVar contains an entry for this variant (Variation ID: 2997394). Invitae Evidence Modeling of protein sequence and biophysical properties (such as structural, functional, and spatial information, amino acid conservation, physicochemical variation, residue mobility, and thermodynamic stability) indicates that this missense variant is not expected to disrupt IRF7 protein function with a negative predictive value of 80%. In summary, the available evidence is currently insufficient to determine the role of this variant in disease. Therefore, it has been classified as a Variant of Uncertain Significance.